The following is an entry in ClinVar:

ClinVar aggregate classification (germline): Uncertain significance (1 of 4 stars; one submission).

gnomAD v4.1: 118 of 1,564,372 alleles (0.0075%); highest among the groups gnomAD compares: Admixed American, 0.098%; 2 homozygotes.

Submission:

Ambry Genetics
Classification: Uncertain significance. Last evaluated: 2024-11-21. Review status: criteria provided, single submitter. Criteria: Ambry Variant Classification Scheme 2023. Collection method: clinical testing. Allele origin: germline.
Comment: The p.P568L variant (also known as c.1703C>T), located in coding exon 7 of the WNK2 gene, results from a C to T substitution at nucleotide position 1703. The proline at codon 568 is replaced by leucine, an amino acid with similar properties. This amino acid position is conserved. In addition, this alteration is predicted to be tolerated by in silico analysis. Based on the available evidence, the clinical significance of this variant remains unclear.

NM_006648.4(WNK2):c.1703C>T (p.Pro568Leu)

Gene: WNK2 (WNK lysine deficient protein kinase 2; plus strand). Cytogenetic location: 9q22.31.
Variant type: single nucleotide variant.
Coding change: c.1703C>T on transcript NM_006648.4 (MANE Select); coding-DNA position 1703, C replaced by T.
Protein change: p.Pro568Leu; replaces proline 568 with leucine.
Molecular consequence: missense variant.
Genome position (GRCh38, 1-based): chr9:93,247,703, C>T. VCF-style: chr9-93247703-C-T. GRCh37 (hg19) VCF-style: chr9-96009985-C-T.
Other names: c.1703C>T, p.Pro568Leu (NM_001282394.3); short protein forms P568L.
Identifiers: ClinVar variation 3333151 (VCV003333151.2).